The following is an entry in ClinVar:

NM_014956.5(CEP164):c.3747G>T (p.Arg1249Ser)

Gene: CEP164 (centrosomal protein 164; plus strand). Cytogenetic location: 11q23.3.
Variant type: single nucleotide variant.
Coding change: c.3747G>T on transcript NM_014956.5 (MANE Select); coding-DNA position 3747, G replaced by T.
Protein change: p.Arg1249Ser; replaces arginine 1249 with serine.
Molecular consequence: missense variant. On other transcripts: intron variant (1).
Genome position (GRCh38, 1-based): chr11:117,409,027, G>T. VCF-style: chr11-117409027-G-T. GRCh37 (hg19) VCF-style: chr11-117279743-G-T.
Other names: c.3733+23G>T (NM_001271933.2); short protein forms R1249S.
Identifiers: ClinVar variation 1002704 (VCV001002704.10), dbSNP rs1458226426, ClinGen allele CA382742958.
Genomic context (GRCh38, chr11:117,409,027, plus strand): 5'-GAGCAGTGAAAGTTCTGAATCTTTTTCCCCGCCTCACCGTGAGTGGTGGCGGCAGCAGAG[G>T]AGTGAGTGGGGGAGATGCGGGGTGAGGACCATGGTATCCATGGAATGGGAGGAACTTGGG-3'
Protein context (NP_055771.4, residues 1239-1259): PPHREWWRQQ[Arg1249Ser]IDSTPSLTSR

ClinVar aggregate classification (germline): Uncertain significance (1 of 4 stars; one submission).

Conditions:
Nephronophthisis 15 (NPHP15). Identifiers: Orphanet 3156, MedGen C3541853, MONDO:0013917, OMIM 614845.

Submission:

Labcorp Genetics (formerly Invitae), Labcorp
Classification: Uncertain significance for Nephronophthisis 15. Last evaluated: 2022-10-04. Review status: criteria provided, single submitter. Criteria: Invitae Variant Classification Sherloc (09022015). Collection method: clinical testing. Allele origin: germline.
Comment: In summary, the available evidence is currently insufficient to determine the role of this variant in disease. Therefore, it has been classified as a Variant of Uncertain Significance. Algorithms developed to predict the effect of missense changes on protein structure and function are either unavailable or do not agree on the potential impact of this missense change (SIFT: "Deleterious"; PolyPhen-2: "Benign"; Align-GVGD: "Class C0"). ClinVar contains an entry for this variant (Variation ID: 1002704). This variant has not been reported in the literature in individuals affected with CEP164-related conditions. This variant is not present in population databases (gnomAD no frequency). This sequence change replaces arginine, which is basic and polar, with serine, which is neutral and polar, at codon 1249 of the CEP164 protein (p.Arg1249Ser).